The following is an entry in ClinVar:

ClinVar aggregate classification (germline): Uncertain significance (1 of 4 stars; one submission).

Conditions:
Inborn genetic diseases. Identifiers: MedGen C0950123, MeSH D030342.

Submission:

Ambry Genetics
Classification: Uncertain significance for Inborn genetic diseases. Last evaluated: 2026-02-21. Review status: criteria provided, single submitter. Criteria: Ambry Variant Classification Scheme 2023. Collection method: clinical testing. Allele origin: germline.
Comment: The p.L111P variant (also known as c.332T>C), located in coding exon 1 of the FANCM gene, results from a T to C substitution at nucleotide position 332. The leucine at codon 111 is replaced by proline, an amino acid with similar properties. This amino acid position is conserved. In addition, this alteration is predicted to be deleterious by in silico analysis. Based on the available evidence, the clinical significance of this variant remains unclear.

NM_020937.4(FANCM):c.332T>C (p.Leu111Pro)

Gene: FANCM (FA complementation group M; plus strand). Cytogenetic location: 14q21.2.
Variant type: single nucleotide variant.
Coding change: c.332T>C on transcript NM_020937.4 (MANE Select); coding-DNA position 332, T replaced by C.
Protein change: p.Leu111Pro; replaces leucine 111 with proline.
Molecular consequence: missense variant.
Genome position (GRCh38, 1-based): chr14:45,136,363, T>C. VCF-style: chr14-45136363-T-C. GRCh37 (hg19) VCF-style: chr14-45605566-T-C.
Other names: c.332T>C, p.Leu111Pro (NM_001308133.2, NM_001308134.2); short protein forms L111P.
Identifiers: ClinVar variation 4844574 (VCV004844574.1).